The following is an entry in ClinVar:

ClinVar aggregate classification (germline): Uncertain significance (1 of 4 stars; one submission).

Allele frequency attached by ClinVar (database versions not stated): gnomAD exomes below 0.00001; TOPMed 0.00001; gnomAD 0.00002.
gnomAD v4.1: 4 of 1,601,726 alleles (0.00025%); highest among the groups gnomAD compares: African/African-American, 0.0054%; no homozygotes.

Submission:

Labcorp Genetics (formerly Invitae), Labcorp
Classification: Uncertain significance. Last evaluated: 2023-08-17. Review status: criteria provided, single submitter. Criteria: Invitae Variant Classification Sherloc (09022015). Collection method: clinical testing. Allele origin: germline.
Comment: This variant has not been reported in the literature in individuals affected with OPA1-related conditions. This variant is present in population databases (no rsID available, gnomAD 0.01%). This sequence change falls in intron 17 of the OPA1 gene. It does not directly change the encoded amino acid sequence of the OPA1 protein. It affects a nucleotide within the consensus splice site. In summary, the available evidence is currently insufficient to determine the role of this variant in disease. Therefore, it has been classified as a Variant of Uncertain Significance. Variants that disrupt the consensus splice site are a relatively common cause of aberrant splicing (PMID: 17576681, 9536098). Algorithms developed to predict the effect of sequence changes on RNA splicing suggest that this variant is not likely to affect RNA splicing.

Literature cited by the submitters: PubMed 17576681; PubMed 9536098.

NM_130837.3(OPA1):c.1870+3A>G

Genes: OPA1 (OPA1 mitochondrial dynamin like GTPase; plus strand), LOC126806913 (BRD4-independent group 4 enhancer GRCh37_chr3:193364377-193365576; plus strand). Cytogenetic location: 3q29.
Variant type: single nucleotide variant.
Coding change: c.1870+3A>G on transcript NM_130837.3 (MANE Select); 3 bases into the intron after coding-DNA position 1870, A replaced by G.
Molecular consequence: intron variant.
Genome position (GRCh38, 1-based): chr3:193,647,183, A>G. VCF-style: chr3-193647183-A-G. GRCh37 (hg19) VCF-style: chr3-193364972-A-G.
Other names: c.1333+3A>G (NM_001354664.2); c.1336+3A>G (NM_001354663.2); c.1759+3A>G (NM_130834.3); c.1816+3A>G (NM_130836.3); c.1705+3A>G (NM_015560.3); c.1762+3A>G (NM_130835.3); c.1651+3A>G (NM_130832.3); c.1708+3A>G (NM_130833.3); and 1 more.
Identifiers: ClinVar variation 2791031 (VCV002791031.3), dbSNP rs981284925, ClinGen allele CA90536282.
Genomic context (GRCh38, chr3:193,647,183, plus strand): 5'-GACTGCTTTTGGAAAATGGTACGAGAGTCTGTTGAACAACAGGCTGATAGTTTCAAAGGT[A>G]AGTTGGATTTTTTAAAGAAGCAAGCAAATTAAGACATTTTATTAGCTGGCAATCTTTGGC-3'